The following is an entry in ClinVar:

ClinVar aggregate classification (germline): Uncertain significance (1 of 4 stars; one submission).

Conditions:
TRIO-related disorder. Also called: TRIO-related disorders; TRIO-related condition.

Submission:

PreventionGenetics, part of Exact Sciences
Classification: Uncertain significance for TRIO-related condition. Last evaluated: 2026-09-17. Review status: criteria provided, single submitter. Criteria: ACMG Guidelines, 2015. Collection method: clinical testing. Allele origin: germline.
Comment: The TRIO c.6733G>C variant is predicted to result in the amino acid substitution p.Val2245Leu. To our knowledge, this variant has not been reported in the literature or in a large population database (gnomAD), indicating this variant is rare. At this time, the clinical significance of this variant is uncertain due to the absence of conclusive functional and genetic evidence.

NM_007118.4(TRIO):c.6733G>C (p.Val2245Leu)

Gene: TRIO (trio Rho guanine nucleotide exchange factor; plus strand). Cytogenetic location: 5p15.2.
Variant type: single nucleotide variant.
Coding change: c.6733G>C on transcript NM_007118.4 (MANE Select); coding-DNA position 6733, G replaced by C.
Protein change: p.Val2245Leu; replaces valine 2245 with leucine.
Molecular consequence: missense variant. On other transcripts: non-coding transcript variant (1).
Genome position (GRCh38, 1-based): chr5:14,485,144, G>C. VCF-style: chr5-14485144-G-C. GRCh37 (hg19) VCF-style: chr5-14485253-G-C.
Other names: short protein forms V2245L.
Identifiers: ClinVar variation 4989378 (VCV004989378.1).